The following is an entry in ClinVar:

ClinVar aggregate classification (germline): Uncertain significance (1 of 4 stars; one submission).

Conditions:
Severe early-onset pulmonary alveolar proteinosis due to MARS deficiency. Also called: Interstitial lung and liver disease; PULMONARY ALVEOLAR PROTEINOSIS, REUNION ISLAND. Identifiers: Orphanet 440427, MedGen C4225400, MONDO:0014206, OMIM 615486.
Charcot-Marie-Tooth disease axonal type 2U. Also called: CHARCOT-MARIE-TOOTH NEUROPATHY, TYPE 2U; CHARCOT-MARIE-TOOTH DISEASE, AXONAL, AUTOSOMAL DOMINANT, TYPE 2U. Identifiers: Orphanet 397735, MedGen C4084821, MONDO:0014566, OMIM 616280.

Submission:

Labcorp Genetics (formerly Invitae), Labcorp
Classification: Uncertain significance for Charcot-Marie-Tooth disease axonal type 2U; Severe early-onset pulmonary alveolar proteinosis due to MARS deficiency. Last evaluated: 2024-08-28. Review status: criteria provided, single submitter. Criteria: Invitae Variant Classification Sherloc (09022015). Collection method: clinical testing. Allele origin: germline.
Comment: This sequence change replaces serine, which is neutral and polar, with arginine, which is basic and polar, at codon 631 of the MARS protein (p.Ser631Arg). This variant is not present in population databases (gnomAD no frequency). This variant has not been reported in the literature in individuals affected with MARS-related conditions. An algorithm developed to predict the effect of missense changes on protein structure and function (PolyPhen-2) suggests that this variant is likely to be disruptive. In summary, the available evidence is currently insufficient to determine the role of this variant in disease. Therefore, it has been classified as a Variant of Uncertain Significance.

NM_004990.4(MARS1):c.1891A>C (p.Ser631Arg)

Gene: MARS1 (methionyl-tRNA synthetase 1; plus strand). Cytogenetic location: 12q13.3.
Variant type: single nucleotide variant.
Coding change: c.1891A>C on transcript NM_004990.4 (MANE Select); coding-DNA position 1891, A replaced by C.
Protein change: p.Ser631Arg; replaces serine 631 with arginine.
Molecular consequence: missense variant.
Genome position (GRCh38, 1-based): chr12:57,512,888, A>C. VCF-style: chr12-57512888-A-C. GRCh37 (hg19) VCF-style: chr12-57906671-A-C.
Other names: short protein forms S631R.
Identifiers: ClinVar variation 3752022 (VCV003752022.2).